The following is an entry in ClinVar:

NM_002615.7(SERPINF1):c.236T>C (p.Leu79Pro)

Genes: SERPINF1 (serpin family F member 1; plus strand), LOC130059892 (ATAC-STARR-seq lymphoblastoid active region 11457; plus strand). Cytogenetic location: 17p13.3.
Variant type: single nucleotide variant.
Coding change: c.236T>C on transcript NM_002615.7 (MANE Select); coding-DNA position 236, T replaced by C.
Protein change: p.Leu79Pro; replaces leucine 79 with proline.
Molecular consequence: missense variant. On other transcripts: 5 prime UTR variant (1).
Genome position (GRCh38, 1-based): chr17:1,770,003, T>C. VCF-style: chr17-1770003-T-C. GRCh37 (hg19) VCF-style: chr17-1673297-T-C.
Other names: c.236T>C, p.Leu79Pro (NM_001329903.2); c.-326T>C (NM_001329904.2); short protein forms L79P.
Identifiers: ClinVar variation 1312881 (VCV001312881.2), dbSNP rs2151207437, ClinGen allele CA397584221.
Genomic context (GRCh38, chr17:1,770,003, plus strand): 5'-CCAACTTCGGCTATGACCTGTACCGGGTGCGATCCAGCACGAGCCCCACGACCAACGTGC[T>C]CCTGTCTCCTCTCAGTGTGGCCACGGCCCTCTCGGCCCTCTCGCTGGGTGAGTGCTCAGA-3'
Protein context (NP_002606.3, residues 69-89): RSSTSPTTNV[Leu79Pro]LSPLSVATAL

ClinVar aggregate classification (germline): Uncertain significance (1 of 4 stars; one submission).

Submission:

GeneDx
Classification: Uncertain significance. Last evaluated: 2020-01-20. Review status: criteria provided, single submitter. Criteria: GeneDx Variant Classification Process June 2021. Collection method: clinical testing. Allele origin: germline. Affected: yes.
Comment: Not observed in large population cohorts (Lek et al., 2016); In silico analysis, which includes protein predictors and evolutionary conservation, supports a deleterious effect; Has not been previously published as pathogenic or benign to our knowledge